The following is an entry in ClinVar:

NM_000051.4(ATM):c.976A>G (p.Ile326Val)

Gene: ATM (ATM serine/threonine kinase; plus strand). Cytogenetic location: 11q22.3.
Variant type: single nucleotide variant.
Coding change: c.976A>G on transcript NM_000051.4 (MANE Select); coding-DNA position 976, A replaced by G.
Protein change: p.Ile326Val; replaces isoleucine 326 with valine.
Molecular consequence: missense variant.
Genome position (GRCh38, 1-based): chr11:108,247,038, A>G. VCF-style: chr11-108247038-A-G. GRCh37 (hg19) VCF-style: chr11-108117765-A-G.
Other names: c.976A>G, p.Ile326Val (NM_001351834.2); short protein forms I326V.
Identifiers: ClinVar variation 453766 (VCV000453766.15), dbSNP rs1555068422, ClinGen allele CA382531103.

ClinVar aggregate classification (germline): Conflicting classifications of pathogenicity. Review status: criteria provided, conflicting classifications (1 of 4 stars). 5 submissions from 5 submitters: Uncertain significance (3); Likely benign (1). 1 of the submissions does not count toward it. Last evaluated 2024-02-01.

Conditions:
Hereditary cancer-predisposing syndrome. Also called: Tumor predisposition; Hereditary Cancer Syndrome; Neoplastic Syndromes, Hereditary; Hereditary neoplastic syndrome. Identifiers: Orphanet 140162, MedGen C0027672, MeSH D009386, MONDO:0015356.
Familial cancer of breast. Also called: Hereditary breast cancer; hereditary breast carcinoma; BREAST CANCER, FAMILIAL. Identifiers: Orphanet 227535, MedGen C0346153, MONDO:0016419, OMIM 114480. Disease mechanism: loss of function.
Ataxia-telangiectasia syndrome (AT). Also called: Cerebello-oculocutaneous telangiectasia; Immunodeficiency with ataxia telangiectasia; Ataxia-telangiectasia, complementation group D; AT, COMPLEMENTATION GROUP C; Ataxia-telangiectasia, complementation group E; LOUIS-BAR SYNDROME. Identifiers: Orphanet 100, MedGen C0004135, MONDO:0008840, OMIM 208900.

Allele frequency attached by ClinVar (database versions not stated): gnomAD exomes below 0.00001.
gnomAD v4.1: 5 of 1,613,734 alleles (0.00031%); highest among the groups gnomAD compares: South Asian, 0.0044%; no homozygotes.

Submissions (5):

Ambry Genetics
Classification: Likely benign for Hereditary cancer-predisposing syndrome. Last evaluated: 2024-02-01. Review status: criteria provided, single submitter. Criteria: Ambry Variant Classification Scheme 2023. Collection method: clinical testing. Allele origin: germline.

Baylor Genetics
Classification: Uncertain significance for Familial cancer of breast. Last evaluated: 2023-09-05. Review status: criteria provided, single submitter. Criteria: ACMG Guidelines, 2015. Collection method: clinical testing. Allele origin: unknown.

Labcorp Genetics (formerly Invitae), Labcorp
Classification: Uncertain significance for Ataxia-telangiectasia syndrome. Last evaluated: 2022-07-24. Review status: criteria provided, single submitter. Criteria: Invitae Variant Classification Sherloc (09022015). Collection method: clinical testing. Allele origin: germline.
Comment: This sequence change replaces isoleucine, which is neutral and non-polar, with valine, which is neutral and non-polar, at codon 326 of the ATM protein (p.Ile326Val). This variant is not present in population databases (gnomAD no frequency). This missense change has been observed in individual(s) with ATM-related conditions (PMID: 31159747). ClinVar contains an entry for this variant (Variation ID: 453766). Advanced modeling of protein sequence and biophysical properties (such as structural, functional, and spatial information, amino acid conservation, physicochemical variation, residue mobility, and thermodynamic stability) performed at Invitae indicates that this missense variant is not expected to disrupt ATM protein function. Algorithms developed to predict the effect of sequence changes on RNA splicing suggest that this variant may create or strengthen a splice site. In summary, the available evidence is currently insufficient to determine the role of this variant in disease. Therefore, it has been classified as a Variant of Uncertain Significance.

GeneKor MSA
Classification: Uncertain significance for Hereditary cancer-predisposing syndrome. Last evaluated: 2018-08-01. Review status: criteria provided, single submitter. Criteria: ACMG Guidelines, 2015. Collection method: clinical testing. Allele origin: germline. Affected: yes.

Natera, Inc.
Classification: Uncertain significance for Ataxia-telangiectasia. Last evaluated: 2020-09-16. Review status: no assertion criteria provided. Collection method: clinical testing. Allele origin: germline. Not counted in ClinVar's aggregate classification.

Literature cited by the submitters: PubMed 31159747 (cited by Labcorp Genetics (formerly Invitae), Labcorp).